The following is an entry in ClinVar:

ClinVar aggregate classification (germline): Uncertain significance (1 of 4 stars; one submission).

Submission:

Labcorp Genetics (formerly Invitae), Labcorp
Classification: Uncertain significance. Last evaluated: 2024-10-13. Review status: criteria provided, single submitter. Criteria: Invitae Variant Classification Sherloc (09022015). Collection method: clinical testing. Allele origin: germline.
Comment: This sequence change replaces serine, which is neutral and polar, with tyrosine, which is neutral and polar, at codon 45 of the PPOX protein (p.Ser45Tyr). This variant is not present in population databases (gnomAD no frequency). This variant has not been reported in the literature in individuals affected with PPOX-related conditions. Invitae Evidence Modeling of protein sequence and biophysical properties (such as structural, functional, and spatial information, amino acid conservation, physicochemical variation, residue mobility, and thermodynamic stability) indicates that this missense variant is expected to disrupt PPOX protein function with a positive predictive value of 95%. In summary, the available evidence is currently insufficient to determine the role of this variant in disease. Therefore, it has been classified as a Variant of Uncertain Significance.

NM_001122764.3(PPOX):c.134C>A (p.Ser45Tyr)

Gene: PPOX (protoporphyrinogen oxidase; plus strand). Cytogenetic location: 1q23.3.
Variant type: single nucleotide variant.
Coding change: c.134C>A on transcript NM_001122764.3 (MANE Select); coding-DNA position 134, C replaced by A.
Protein change: p.Ser45Tyr; replaces serine 45 with tyrosine.
Molecular consequence: missense variant. On other transcripts: 5 prime UTR variant (5).
Genome position (GRCh38, 1-based): chr1:161,167,146, C>A. VCF-style: chr1-161167146-C-A. GRCh37 (hg19) VCF-style: chr1-161136936-C-A.
Other names: c.134C>A, p.Ser45Tyr (NM_001350128.2, NM_001365398.1, NM_001365399.1 and 1 more transcripts); c.-294C>A (NM_001350129.2); c.-385C>A (NM_001350130.2); c.-271C>A (NM_001350131.2); c.-178C>A (NM_001365400.1); c.-237C>A (NM_001365401.1); short protein forms S45Y.
Identifiers: ClinVar variation 2771852 (VCV002771852.3), dbSNP rs2525190265, ClinGen allele CA343351301.